The following is an entry in ClinVar:

NM_018292.5(QRSL1):c.181A>G (p.Asn61Asp)

Gene: QRSL1 (glutaminyl-tRNA amidotransferase subunit QRSL1; plus strand). Cytogenetic location: 6q21.
Variant type: single nucleotide variant.
Coding change: c.181A>G on transcript NM_018292.5 (MANE Select); coding-DNA position 181, A replaced by G.
Protein change: p.Asn61Asp; replaces asparagine 61 with aspartic acid.
Molecular consequence: missense variant.
Genome position (GRCh38, 1-based): chr6:106,640,505, A>G. VCF-style: chr6-106640505-A-G. GRCh37 (hg19) VCF-style: chr6-107088380-A-G.
Other names: c.181A>G (NM_018292.4); short protein forms N61D.
Identifiers: ClinVar variation 2190234 (VCV002190234.5), dbSNP rs746509227, ClinGen allele CA3944682.

ClinVar aggregate classification (germline): Uncertain significance. Review status: criteria provided, multiple submitters, no conflicts (2 of 4 stars). 2 submissions from 2 submitters: Uncertain significance (2). Last evaluated 2025-08-01.

Conditions:
Inborn genetic diseases. Identifiers: MedGen C0950123, MeSH D030342.

Allele frequency attached by ClinVar (database versions not stated): ExAC 0.00001; gnomAD 0.00005; TOPMed 0.00005; gnomAD exomes 0.00010.
gnomAD v4.1: 143 of 1,565,276 alleles (0.0091%); highest among the groups gnomAD compares: Non-Finnish European, 0.012%; no homozygotes.

Submissions (2):

Ambry Genetics
Classification: Uncertain significance for Inborn genetic diseases. Last evaluated: 2025-08-01. Review status: criteria provided, single submitter. Criteria: Ambry Variant Classification Scheme 2023. Collection method: clinical testing. Allele origin: germline.

Labcorp Genetics (formerly Invitae), Labcorp
Classification: Uncertain significance. Last evaluated: 2022-02-09. Review status: criteria provided, single submitter. Criteria: Invitae Variant Classification Sherloc (09022015). Collection method: clinical testing. Allele origin: germline.
Comment: This sequence change replaces asparagine, which is neutral and polar, with aspartic acid, which is acidic and polar, at codon 61 of the QRSL1 protein (p.Asn61Asp). This variant is present in population databases (rs746509227, gnomAD 0.003%). This variant has not been reported in the literature in individuals affected with QRSL1-related conditions. Algorithms developed to predict the effect of missense changes on protein structure and function (SIFT, PolyPhen-2, Align-GVGD) all suggest that this variant is likely to be tolerated. In summary, the available evidence is currently insufficient to determine the role of this variant in disease. Therefore, it has been classified as a Variant of Uncertain Significance.